The following is an entry in ClinVar:

NM_014476.6(PDLIM3):c.589T>C (p.Tyr197His)

Gene: PDLIM3 (PDZ and LIM domain 3; minus strand). Cytogenetic location: 4q35.1.
Variant type: single nucleotide variant.
Coding change: c.589T>C on transcript NM_014476.6 (MANE Select); coding-DNA position 589, T replaced by C.
Protein change: p.Tyr197His; replaces tyrosine 197 with histidine.
Molecular consequence: missense variant. On other transcripts: intron variant (3).
Genome position (GRCh38, 1-based): chr4:185,508,372, A>G on the plus strand (T>C on the coding strand, the complement: PDLIM3 is on the minus strand). VCF-style: chr4-185508372-A-G. GRCh37 (hg19) VCF-style: chr4-186429526-A-G.
Other names: c.162-1720T>C (NM_001257963.2); c.399-1720T>C (NM_001257962.2); c.519-1720T>C (NM_001114107.5); short protein forms Y197H.
Identifiers: ClinVar variation 4788703 (VCV004788703.1).

ClinVar aggregate classification (germline): Uncertain significance (1 of 4 stars; one submission).

Conditions:
Hypertrophic cardiomyopathy. Also called: HYPERTROPHIC MYOCARDIOPATHY. Identifiers: Orphanet 217569, MedGen C0007194, MeSH D002312, MONDO:0005045, HP:0001639.
Primary dilated cardiomyopathy (DCM). Also called: Dilated Cardiomyopathy. Identifiers: Orphanet 217604, MedGen C0007193, MeSH D002311, MONDO:0005021, HP:0001644. Inheritance: Various modes of inheritance.

gnomAD v4.1: 1 of 1,614,140 alleles (0.000062%); highest among the groups gnomAD compares: Non-Finnish European, 0.000085%; no homozygotes.

Submission:

Labcorp Genetics (formerly Invitae), Labcorp
Classification: Uncertain significance for Hypertrophic cardiomyopathy; Primary dilated cardiomyopathy. Last evaluated: 2025-06-05. Review status: criteria provided, single submitter. Criteria: Invitae Variant Classification Sherloc (09022015). Collection method: clinical testing. Allele origin: germline.
Comment: This sequence change replaces tyrosine, which is neutral and polar, with histidine, which is basic and polar, at codon 197 of the PDLIM3 protein (p.Tyr197His). This variant is not present in population databases (gnomAD no frequency). This variant has not been reported in the literature in individuals affected with PDLIM3-related conditions. Invitae Evidence Modeling of protein sequence and biophysical properties (such as structural, functional, and spatial information, amino acid conservation, physicochemical variation, residue mobility, and thermodynamic stability) indicates that this missense variant is not expected to disrupt PDLIM3 protein function with a negative predictive value of 80%. In summary, the available evidence is currently insufficient to determine the role of this variant in disease. Therefore, it has been classified as a Variant of Uncertain Significance.